The following is an entry in ClinVar:

ClinVar aggregate classification (germline): Pathogenic. Review status: criteria provided, multiple submitters, no conflicts (2 of 4 stars). 2 submissions from 2 submitters: Pathogenic (2). Last evaluated 2023-05-10.

Conditions:
Familial adenomatous polyposis 1 (FAP1). Also called: FAMILIAL ADENOMATOUS POLYPOSIS 1, ATTENUATED; POLYPOSIS, ADENOMATOUS INTESTINAL. Identifiers: MedGen C2713442, MONDO:0021056, OMIM 175100. Disease mechanism: loss of function.

Submissions (2):

Myriad Genetics, Inc.
Classification: Pathogenic for Familial adenomatous polyposis 1. Last evaluated: 2023-05-10. Review status: criteria provided, single submitter. Criteria: Myriad Autosomal Dominant, Autosomal Recessive and X-Linked Classification Criteria (2023). Collection method: clinical testing. Allele origin: unknown.
Comment: This variant is considered pathogenic. This variant creates a frameshift predicted to result in premature protein truncation.

Labcorp Genetics (formerly Invitae), Labcorp
Classification: Pathogenic for Familial adenomatous polyposis 1. Last evaluated: 2022-06-29. Review status: criteria provided, single submitter. Criteria: Invitae Variant Classification Sherloc (09022015). Collection method: clinical testing. Allele origin: germline.
Comment: This sequence change creates a premature translational stop signal (p.Glu1464Argfs*5) in the APC gene. While this is not anticipated to result in nonsense mediated decay, it is expected to disrupt the last 1380 amino acid(s) of the APC protein. This variant is not present in population databases (gnomAD no frequency). This variant has not been reported in the literature in individuals affected with APC-related conditions. ClinVar contains an entry for this variant (Variation ID: 537546). This variant is expected to disrupt the EB1 and HDLG binding sites, which mediate interactions with the cytoskeleton (PMID: 15311282, 17293347). While functional studies have not been performed to directly test the effect on APC protein function, this suggests that disruption of the C-terminal portion of the protein is functionally important. A different truncation (p.Tyr2645Lysfs*14) that lies downstream of this variant has been determined to be pathogenic (PMID: 9824584, 1316610, 27081525, 8381579, 22135120, Invitae). This suggests that deletion of this region of the APC protein is causative of disease. For these reasons, this variant has been classified as Pathogenic.

Literature cited by the submitters: PubMed 15311282 (cited by Labcorp Genetics (formerly Invitae), Labcorp); PubMed 17293347 (cited by Labcorp Genetics (formerly Invitae), Labcorp); PubMed 9824584 (cited by Labcorp Genetics (formerly Invitae), Labcorp); PubMed 1316610 (cited by Labcorp Genetics (formerly Invitae), Labcorp); PubMed 27081525 (cited by Labcorp Genetics (formerly Invitae), Labcorp); PubMed 8381579 (cited by Labcorp Genetics (formerly Invitae), Labcorp); PubMed 22135120 (cited by Labcorp Genetics (formerly Invitae), Labcorp).

NM_000038.6(APC):c.4389dup (p.Glu1464fs)

Gene: APC (APC regulator of Wnt signaling pathway; plus strand). Cytogenetic location: 5q22.2.
Variant type: Duplication.
Coding change: c.4389dup on transcript NM_000038.6 (MANE Select); coding-DNA position 4389, one base duplicated (A; older notation c.4389dupA).
Protein change: p.Glu1464fs; shifts the reading frame from glutamic acid 1464.
Molecular consequence: frameshift variant.
Genome position (GRCh38, 1-based): chr5:112,839,983, A duplicated. VCF-style (leftmost placement, unchanged base first): chr5-112839982-G-GA. GRCh37 (hg19) VCF-style: chr5-112175679-G-GA.
Other names: c.4389dup, p.Glu1464fs (NM_001127510.3, NM_001354895.2); c.4335dup, p.Glu1446fs (NM_001127511.3); c.4443dup, p.Glu1482fs (NM_001354896.2); c.4419dup, p.Glu1474fs (NM_001354897.2); c.4314dup, p.Glu1439fs (NM_001354898.2); c.4305dup, p.Glu1436fs (NM_001354899.2); c.4266dup, p.Glu1423fs (NM_001354900.2); c.4212dup, p.Glu1405fs (NM_001354901.2); and 6 more; short protein forms E1439fs, E1474fs, E1446fs, E1181fs, E1304fs, E1338fs, E1373fs, E1405fs.
Identifiers: ClinVar variation 537546 (VCV000537546.11), dbSNP rs1554085850, ClinGen allele CA658796571.